The following is an entry in ClinVar:

ClinVar aggregate classification (germline): Uncertain significance (1 of 4 stars; one submission).

gnomAD v4.1: 3 of 1,543,764 alleles (0.00019%); highest among the groups gnomAD compares: Non-Finnish European, 0.00026%; no homozygotes.

Submission:

Labcorp Genetics (formerly Invitae), Labcorp
Classification: Uncertain significance. Last evaluated: 2023-04-20. Review status: criteria provided, single submitter. Criteria: Invitae Variant Classification Sherloc (09022015). Collection method: clinical testing. Allele origin: germline.
Comment: This sequence change replaces valine, which is neutral and non-polar, with methionine, which is neutral and non-polar, at codon 60 of the ATP5D protein (p.Val60Met). This variant is not present in population databases (gnomAD no frequency). This variant has not been reported in the literature in individuals affected with ATP5D-related conditions. An algorithm developed to predict the effect of missense changes on protein structure and function (PolyPhen-2) suggests that this variant is likely to be disruptive. In summary, the available evidence is currently insufficient to determine the role of this variant in disease. Therefore, it has been classified as a Variant of Uncertain Significance.

NM_001687.5(ATP5F1D):c.178G>A (p.Val60Met)

Gene: ATP5F1D (ATP synthase F1 subunit delta; plus strand). Cytogenetic location: 19p13.3.
Variant type: single nucleotide variant.
Coding change: c.178G>A on transcript NM_001687.5 (MANE Select); coding-DNA position 178, G replaced by A.
Protein change: p.Val60Met; replaces valine 60 with methionine.
Molecular consequence: missense variant.
Genome position (GRCh38, 1-based): chr19:1,242,492, G>A. VCF-style: chr19-1242492-G-A. GRCh37 (hg19) VCF-style: chr19-1242491-G-A.
Other names: c.178G>A, p.Val60Met (NM_001001975.2); short protein forms V60M.
Identifiers: ClinVar variation 2992952 (VCV002992952.3), dbSNP rs1447002709, ClinGen allele CA402980149.
Genomic context (GRCh38, chr19:1,242,492, plus strand): 5'-CATTCCCCACGCTGTTGTCTGCAGGTGTTCTTCAACGGTGCCAACGTCCGGCAGGTGGAC[G>A]TGCCCACGCTGACCGGAGCCTTCGGCATCCTGGCGGCCCACGTGCCCACGCTGCAGGTCC-3'
Protein context (NP_001678.1, residues 50-70): FNGANVRQVD[Val60Met]PTLTGAFGIL